The following is an entry in ClinVar:

NM_005918.4(MDH2):c.458A>T (p.Glu153Val)

Gene: MDH2 (malate dehydrogenase 2; plus strand). Cytogenetic location: 7q11.23.
Variant type: single nucleotide variant.
Coding change: c.458A>T on transcript NM_005918.4 (MANE Select); coding-DNA position 458, A replaced by T.
Protein change: p.Glu153Val; replaces glutamic acid 153 with valine.
Molecular consequence: missense variant. On other transcripts: intron variant (1).
Genome position (GRCh38, 1-based): chr7:76,060,401, A>T. VCF-style: chr7-76060401-A-T. GRCh37 (hg19) VCF-style: chr7-75689719-A-T.
Other names: c.137A>T, p.Glu46Val (NM_001282404.2); c.429+2323A>T (NM_001282403.2); short protein forms E46V, E153V.
Identifiers: ClinVar variation 1741693 (VCV001741693.2), dbSNP rs1301472904, ClinGen allele CA367764815.

ClinVar aggregate classification (germline): Uncertain significance (1 of 4 stars; one submission).

Conditions:
Inborn genetic diseases. Identifiers: MedGen C0950123, MeSH D030342.

Allele frequency attached by ClinVar (database versions not stated): gnomAD exomes below 0.00001; TOPMed below 0.00001.

Submission:

Ambry Genetics
Classification: Uncertain significance for Inborn genetic diseases. Last evaluated: 2023-11-21. Review status: criteria provided, single submitter. Criteria: Ambry Variant Classification Scheme 2023. Collection method: clinical testing. Allele origin: germline.
Comment: The p.E153V variant (also known as c.458A>T), located in coding exon 5 of the MDH2 gene, results from an A to T substitution at nucleotide position 458. The glutamic acid at codon 153 is replaced by valine, an amino acid with dissimilar properties. This amino acid position is conserved. In addition, this alteration is predicted to be deleterious by in silico analysis. Since supporting evidence is limited at this time, the clinical significance of this alteration remains unclear.